The following is an entry in ClinVar:

NC_000001.10:g.(?_103345219)_(103356080_?)del

Gene: COL11A1 (collagen type XI alpha 1 chain; minus strand). Cytogenetic location: 1p21.1.
Variant type: Deletion.
Identifiers: ClinVar variation 1455516 (VCV001455516.4).

ClinVar aggregate classification (germline): Pathogenic (1 of 4 stars; one submission).

Submission:

Labcorp Genetics (formerly Invitae), Labcorp
Classification: Pathogenic. Last evaluated: 2021-10-14. Review status: criteria provided, single submitter. Criteria: Invitae Variant Classification Sherloc (09022015). Collection method: clinical testing. Allele origin: germline.
Comment: This variant has not been reported in the literature in individuals affected with COL11A1-related conditions. This variant is a gross deletion of the genomic region encompassing exon(s) 58-66 of the COL11A1 gene. This variant would be expected to be in-frame, preserving the integrity of the reading frame. This variant disrupts a region of the COL11A1 protein in which other variant(s) (p.Gly1531Ala) have been determined to be pathogenic (Invitae). This suggests that this is a clinically significant region of the protein, and that variants that disrupt it are likely to be disease-causing. For these reasons, this variant has been classified as Pathogenic.